The following is an entry in ClinVar:

NM_000687.4(AHCY):c.943G>T (p.Ala315Ser)

Gene: AHCY (adenosylhomocysteinase; minus strand). Cytogenetic location: 20q11.22.
Variant type: single nucleotide variant.
Coding change: c.943G>T on transcript NM_000687.4 (MANE Select); coding-DNA position 943, G replaced by T.
Protein change: p.Ala315Ser; replaces alanine 315 with serine.
Molecular consequence: missense variant.
Genome position (GRCh38, 1-based): chr20:34,290,361, C>A on the plus strand (G>T on the coding strand, the complement: AHCY is on the minus strand). VCF-style: chr20-34290361-C-A. GRCh37 (hg19) VCF-style: chr20-32878167-C-A.
Other names: c.859G>T, p.Ala287Ser (NM_001161766.2, NM_001322084.2, NM_001322085.2); c.949G>T, p.Ala317Ser (NM_001322086.2); c.943G>T, p.Ala315Ser (NM_001362750.2); short protein forms A317S, A287S, A315S.
Identifiers: ClinVar variation 2091149 (VCV002091149.4), dbSNP rs761797188, ClinGen allele CA408656724.

ClinVar aggregate classification (germline): Uncertain significance (1 of 4 stars; one submission).

Conditions:
Hypermethioninemia with deficiency of S-adenosylhomocysteine hydrolase. Identifiers: Orphanet 88618, MedGen C3151058, MONDO:0013404, OMIM 613752.

gnomAD v4.1: 1 of 1,614,088 alleles (0.000062%); highest among the groups gnomAD compares: Non-Finnish European, 0.000085%; no homozygotes.

Submission:

Labcorp Genetics (formerly Invitae), Labcorp
Classification: Uncertain significance for Hypermethioninemia with deficiency of S-adenosylhomocysteine hydrolase. Last evaluated: 2024-10-29. Review status: criteria provided, single submitter. Criteria: Invitae Variant Classification Sherloc (09022015). Collection method: clinical testing. Allele origin: germline.
Comment: This sequence change replaces alanine, which is neutral and non-polar, with serine, which is neutral and polar, at codon 315 of the AHCY protein (p.Ala315Ser). This variant is not present in population databases (gnomAD no frequency). This variant has not been reported in the literature in individuals affected with AHCY-related conditions. ClinVar contains an entry for this variant (Variation ID: 2091149). Invitae Evidence Modeling of protein sequence and biophysical properties (such as structural, functional, and spatial information, amino acid conservation, physicochemical variation, residue mobility, and thermodynamic stability) indicates that this missense variant is not expected to disrupt AHCY protein function with a negative predictive value of 95%. In summary, the available evidence is currently insufficient to determine the role of this variant in disease. Therefore, it has been classified as a Variant of Uncertain Significance.